The following is an entry in ClinVar:

ClinVar aggregate classification (germline): Uncertain significance. Review status: criteria provided, multiple submitters, no conflicts (2 of 4 stars). 2 submissions from 2 submitters: Uncertain significance (2). Last evaluated 2022-05-22.

Conditions:
Autosomal recessive osteopetrosis 4. Also called: infantile malignant CLCN7-related recessive osteopetrosis; CLCN7-Related Osteopetrosis. Identifiers: Orphanet 667, MedGen C1969106, MONDO:0012676, OMIM 611490.

Allele frequency attached by ClinVar (database versions not stated): TOPMed below 0.00001.
gnomAD v4.1: 21 of 1,613,356 alleles (0.0013%); highest among the groups gnomAD compares: East Asian, 0.0022%; no homozygotes.

Submissions (2):

3billion
Classification: Uncertain significance for Autosomal recessive osteopetrosis 4. Last evaluated: 2022-05-22. Review status: criteria provided, single submitter. Criteria: ACMG Guidelines, 2015. Collection method: clinical testing. Allele origin: germline. Affected: yes. Observed: 1 homozygote.
Comment: The variant is observed at an extremely low frequency in the gnomAD v2.1.1 dataset (total allele frequency: <0.001%). Missense changes are a common disease-causing mechanism. In silico tool predictions suggest damaging effect of the variant on gene or gene product (REVEL: 0.97; 3Cnet: 0.52). Same nucleotide change resulting in same amino acid change has been previously reported to be associated with CLCN7 related disorder (PMID: 19953639). However, the evidence of pathogenicity is insufficient at this time. Therefore, this variant is classified as uncertain significanceaccording to the recommendation of ACMG/AMP guideline.

Blueprint Genetics
Classification: Uncertain significance. Last evaluated: 2021-10-11. Review status: criteria provided, single submitter. Criteria: ACMG Guidelines, 2015. Collection method: clinical testing. Allele origin: germline.

Literature cited by the submitters: PubMed 19953639 (cited by 3billion).

NM_001287.6(CLCN7):c.1208G>A (p.Arg403Gln)

Gene: CLCN7 (Cl-/H+ antiporter 7; minus strand). Cytogenetic location: 16p13.3.
Variant type: single nucleotide variant.
Coding change: c.1208G>A on transcript NM_001287.6 (MANE Select); coding-DNA position 1208, G replaced by A.
Protein change: p.Arg403Gln; replaces arginine 403 with glutamine.
Molecular consequence: missense variant.
Genome position (GRCh38, 1-based): chr16:1,453,840, C>T on the plus strand (G>A on the coding strand, the complement: CLCN7 is on the minus strand). VCF-style: chr16-1453840-C-T. GRCh37 (hg19) VCF-style: chr16-1503841-C-T.
Other names: c.1136G>A, p.Arg379Gln (NM_001114331.3); short protein forms R379Q, R403Q.
Identifiers: ClinVar variation 1687236 (VCV001687236.2), dbSNP rs765444328, ClinGen allele CA7810374.
Genomic context (GRCh38, chr16:1,453,840, plus strand): 5'-AGGGCCTGTGTGGCCACGCCTGCCAACGCGATATGCAATGCGGTTTCTCCTCACCTGATT[C>T]GAAACATGGTCAGCCAGTAGTTCAAGGCATTGAACACTGCTCCAAGCACACCGCCTGCGA-3'
Protein context (NP_001278.1, residues 393-413): NALNYWLTMF[Arg403Gln]IRYIHRPCLQ